The following is an entry in ClinVar:

ClinVar aggregate classification (germline): Uncertain significance (1 of 4 stars; one submission).

Conditions:
Hereditary cancer-predisposing syndrome. Also called: Neoplastic Syndromes, Hereditary; Hereditary Cancer Syndrome; Hereditary neoplastic syndrome; Tumor predisposition. Identifiers: Orphanet 140162, MedGen C0027672, MeSH D009386, MONDO:0015356.

Submission:

Ambry Genetics
Classification: Uncertain significance for Hereditary cancer-predisposing syndrome. Last evaluated: 2023-04-13. Review status: criteria provided, single submitter. Criteria: Ambry Variant Classification Scheme 2023. Collection method: clinical testing. Allele origin: germline.
Comment: The p.A649G variant (also known as c.1946C>G), located in coding exon 18 of the POLE gene, results from a C to G substitution at nucleotide position 1946. The alanine at codon 649 is replaced by glycine, an amino acid with similar properties. This amino acid position is conserved. In addition, this alteration is predicted to be tolerated by in silico analysis. Since supporting evidence is limited at this time, the clinical significance of this alteration remains unclear.

NM_006231.4(POLE):c.1946C>G (p.Ala649Gly)

Gene: POLE (DNA polymerase epsilon, catalytic subunit; minus strand). Cytogenetic location: 12q24.33.
Variant type: single nucleotide variant.
Coding change: c.1946C>G on transcript NM_006231.4 (MANE Select); coding-DNA position 1946, C replaced by G.
Protein change: p.Ala649Gly; replaces alanine 649 with glycine.
Molecular consequence: missense variant.
Genome position (GRCh38, 1-based): chr12:132,668,715, G>C on the plus strand (C>G on the coding strand, the complement: POLE is on the minus strand). VCF-style: chr12-132668715-G-C. GRCh37 (hg19) VCF-style: chr12-133245301-G-C.
Other names: short protein forms A649G.
Identifiers: ClinVar variation 2562921 (VCV002562921.2), dbSNP rs2042854832, ClinGen allele CA387355173.